The following is an entry in ClinVar:

NM_003482.4(KMT2D):c.10891C>T (p.Leu3631Phe)

Gene: KMT2D (lysine methyltransferase 2D; minus strand). Cytogenetic location: 12q13.12.
Variant type: single nucleotide variant.
Coding change: c.10891C>T on transcript NM_003482.4 (MANE Select); coding-DNA position 10891, C replaced by T.
Protein change: p.Leu3631Phe; replaces leucine 3631 with phenylalanine.
Molecular consequence: missense variant.
Genome position (GRCh38, 1-based): chr12:49,033,814, G>A on the plus strand (C>T on the coding strand, the complement: KMT2D is on the minus strand). VCF-style: chr12-49033814-G-A. GRCh37 (hg19) VCF-style: chr12-49427597-G-A.
Other names: short protein forms L3631F.
Identifiers: ClinVar variation 3369111 (VCV003369111.3).

ClinVar aggregate classification (germline): Uncertain significance. Review status: criteria provided, multiple submitters, no conflicts (2 of 4 stars). 2 submissions from 2 submitters: Uncertain significance (2). Last evaluated 2025-06-23.

Conditions:
Kabuki syndrome. Also called: NIIKAWA-KUROKI SYNDROME; Kabuki make-up syndrome. Identifiers: Orphanet 2322, MedGen C0796004, MONDO:0016512.

Submissions (2):

Labcorp Genetics (formerly Invitae), Labcorp
Classification: Uncertain significance for Kabuki syndrome. Last evaluated: 2025-06-23. Review status: criteria provided, single submitter. Criteria: Invitae Variant Classification Sherloc (09022015). Collection method: clinical testing. Allele origin: germline.
Comment: This sequence change replaces leucine, which is neutral and non-polar, with phenylalanine, which is neutral and non-polar, at codon 3631 of the KMT2D protein (p.Leu3631Phe). This variant is not present in population databases (gnomAD no frequency). This variant has not been reported in the literature in individuals affected with KMT2D-related conditions. ClinVar contains an entry for this variant (Variation ID: 3369111). Invitae Evidence Modeling of protein sequence and biophysical properties (such as structural, functional, and spatial information, amino acid conservation, physicochemical variation, residue mobility, and thermodynamic stability) has been performed for this missense variant. However, the output from this modeling did not meet the statistical confidence thresholds required to predict the impact of this variant on KMT2D protein function. In summary, the available evidence is currently insufficient to determine the role of this variant in disease. Therefore, it has been classified as a Variant of Uncertain Significance.

GeneDx
Classification: Uncertain significance. Last evaluated: 2024-02-10. Review status: criteria provided, single submitter. Criteria: GeneDx Variant Classification Process June 2021. Collection method: clinical testing. Allele origin: germline. Affected: yes.
Comment: Not observed at significant frequency in large population cohorts (gnomAD); In silico analysis supports that this missense variant does not alter protein structure/function; Has not been previously published as pathogenic or benign to our knowledge